The following is an entry in ClinVar:

ClinVar aggregate classification (germline): Uncertain significance (1 of 4 stars; one submission).

Conditions:
Inborn genetic diseases. Identifiers: MedGen C0950123, MeSH D030342.

Submission:

Ambry Genetics
Classification: Uncertain significance for Inborn genetic diseases. Last evaluated: 2026-07-06. Review status: criteria provided, single submitter. Criteria: Ambry Variant Classification Scheme 2023. Collection method: clinical testing. Allele origin: germline.
Comment: The p.M325T variant (also known as c.974T>C), located in coding exon 3 of the GATA2 gene, results from a T to C substitution at nucleotide position 974. The methionine at codon 325 is replaced by threonine, an amino acid with similar properties. This amino acid position is conserved. In addition, this alteration is predicted to be deleterious by in silico analysis. Based on the available evidence, the clinical significance of this variant remains unclear.

NM_032638.5(GATA2):c.974T>C (p.Met325Thr)

Gene: GATA2 (GATA binding protein 2; minus strand). Cytogenetic location: 3q21.3.
Variant type: single nucleotide variant.
Coding change: c.974T>C on transcript NM_032638.5 (MANE Select); coding-DNA position 974, T replaced by C.
Protein change: p.Met325Thr; replaces methionine 325 with threonine.
Molecular consequence: missense variant.
Genome position (GRCh38, 1-based): chr3:128,483,903, A>G on the plus strand (T>C on the coding strand, the complement: GATA2 is on the minus strand). VCF-style: chr3-128483903-A-G. GRCh37 (hg19) VCF-style: chr3-128202746-A-G.
Other names: c.974T>C, p.Met325Thr (NM_001145661.2, NM_001145662.1); short protein forms M325T.
Identifiers: ClinVar variation 5022190 (VCV005022190.1).